The following is an entry in ClinVar:

ClinVar aggregate classification (germline): Uncertain significance (1 of 4 stars; one submission).

gnomAD v4.1: 3 of 1,613,056 alleles (0.00019%); highest among the groups gnomAD compares: Admixed American, 0.005%; no homozygotes.

Submission:

Labcorp Genetics (formerly Invitae), Labcorp
Classification: Uncertain significance. Last evaluated: 2022-03-22. Review status: criteria provided, single submitter. Criteria: Invitae Variant Classification Sherloc (09022015). Collection method: clinical testing. Allele origin: germline.
Comment: Algorithms developed to predict the effect of missense changes on protein structure and function are either unavailable or do not agree on the potential impact of this missense change (SIFT: "Deleterious"; PolyPhen-2: "Possibly Damaging"; Align-GVGD: "Class C0"). In summary, the available evidence is currently insufficient to determine the role of this variant in disease. Therefore, it has been classified as a Variant of Uncertain Significance. This variant is present in population databases (no rsID available, gnomAD 0.009%). This variant has not been reported in the literature in individuals affected with PLVAP-related conditions. This sequence change replaces cysteine, which is neutral and slightly polar, with serine, which is neutral and polar, at codon 340 of the PLVAP protein (p.Cys340Ser).

NM_031310.3(PLVAP):c.1018T>A (p.Cys340Ser)

Gene: PLVAP (plasmalemma vesicle associated protein; minus strand). Cytogenetic location: 19p13.11.
Variant type: single nucleotide variant.
Coding change: c.1018T>A on transcript NM_031310.3 (MANE Select); coding-DNA position 1018, T replaced by A.
Protein change: p.Cys340Ser; replaces cysteine 340 with serine.
Molecular consequence: missense variant.
Genome position (GRCh38, 1-based): chr19:17,365,447, A>T on the plus strand (T>A on the coding strand, the complement: PLVAP is on the minus strand). VCF-style: chr19-17365447-A-T. GRCh37 (hg19) VCF-style: chr19-17476256-A-T.
Other names: short protein forms C340S.
Identifiers: ClinVar variation 2113032 (VCV002113032.4), dbSNP rs1175371420, ClinGen allele CA404673331.
Genomic context (GRCh38, chr19:17,365,447, plus strand): 5'-TGTCTCGTTCCTTCCGCAGCACCGCCTTCTCCTCCAGCGCTAGCTGGGTCTGCCGGGAGC[A>T]TTCAGCTTGGAGCTTGGCCTCCCGGGCCTGAGCCTCCTTCTCCACCTTCTGTTTCGCCTC-3'
Protein context (NP_112600.1, residues 330-350): QAREAKLQAE[Cys340Ser]SRQTQLALEE